The following is an entry in ClinVar:

ClinVar aggregate classification (germline): Conflicting classifications of pathogenicity. Review status: criteria provided, conflicting classifications (1 of 4 stars). 2 submissions from 2 submitters: Uncertain significance (1); Likely benign (1). Last evaluated 2025-05-20.

Conditions:
Inborn genetic diseases. Identifiers: MedGen C0950123, MeSH D030342.

Allele frequency attached by ClinVar (database versions not stated): ExAC 0.00002; gnomAD 0.00003; TOPMed 0.00003.
gnomAD v4.1: 42 of 1,613,380 alleles (0.0026%); highest among the groups gnomAD compares: Non-Finnish European, 0.0034%; no homozygotes.

Submissions (2):

Ambry Genetics
Classification: Likely benign for Inborn genetic diseases. Last evaluated: 2025-05-20. Review status: criteria provided, single submitter. Criteria: Ambry Variant Classification Scheme 2023. Collection method: clinical testing. Allele origin: germline.

Labcorp Genetics (formerly Invitae), Labcorp
Classification: Uncertain significance. Last evaluated: 2025-03-11. Review status: criteria provided, single submitter. Criteria: Invitae Variant Classification Sherloc (09022015). Collection method: clinical testing. Allele origin: germline.
Comment: This sequence change replaces alanine, which is neutral and non-polar, with valine, which is neutral and non-polar, at codon 8 of the PDE6B protein (p.Ala8Val). This variant is present in population databases (rs762518208, gnomAD 0.007%). This variant has not been reported in the literature in individuals affected with PDE6B-related conditions. ClinVar contains an entry for this variant (Variation ID: 1948441). An algorithm developed to predict the effect of missense changes on protein structure and function outputs the following: PolyPhen-2: "Benign". The valine amino acid residue is found in multiple mammalian species, which suggests that this missense change does not adversely affect protein function. In summary, the available evidence is currently insufficient to determine the role of this variant in disease. Therefore, it has been classified as a Variant of Uncertain Significance.

NM_000283.4(PDE6B):c.23C>T (p.Ala8Val)

Gene: PDE6B (phosphodiesterase 6B; plus strand). Cytogenetic location: 4p16.3.
Variant type: single nucleotide variant.
Coding change: c.23C>T on transcript NM_000283.4 (MANE Select); coding-DNA position 23, C replaced by T.
Protein change: p.Ala8Val; replaces alanine 8 with valine.
Molecular consequence: missense variant.
Genome position (GRCh38, 1-based): chr4:625,649, C>T. VCF-style: chr4-625649-C-T. GRCh37 (hg19) VCF-style: chr4-619438-C-T.
Other names: c.23C>T (NM_000283.3); c.23C>T, p.Ala8Val (NM_001145291.2); short protein forms A8V.
Identifiers: ClinVar variation 1948441 (VCV001948441.6), dbSNP rs762518208, ClinGen allele CA2793821.